The following is an entry in ClinVar:

NM_003738.5(PTCH2):c.3286dup (p.Thr1096fs)

Gene: PTCH2 (patched 2; minus strand). Cytogenetic location: 1p34.1.
Variant type: Duplication.
Coding change: c.3286dup on transcript NM_003738.5 (MANE Select); coding-DNA position 3286, one base duplicated (A; older notation c.3286dupA).
Protein change: p.Thr1096fs; shifts the reading frame from threonine 1096.
Molecular consequence: frameshift variant.
Genome position (GRCh38, 1-based): chr1:44,823,140, T duplicated on the plus strand (A on the coding strand, the reverse complement: PTCH2 is on the minus strand). VCF-style (leftmost placement, unchanged base first): chr1-44823139-G-GT. GRCh37 (hg19) VCF-style: chr1-45288811-G-GT.
Other names: c.3286dup, p.Thr1096fs (NM_001166292.2); short protein forms T1096fs.
Identifiers: ClinVar variation 946940 (VCV000946940.8), dbSNP rs1652984337, ClinGen allele CA1139656083.
Genomic context (GRCh38, chr1:44,823,139, plus strand): 5'-GGGCCCAGGATGGACAGCAGCACAGGCAGCAGCACGAGTCCATGGAGGAGGCCCAGGAGC[G>GT]TGAGCACTGTCAGCGCCGCAAAGAAGTACCTAGGGGTAGGGTGTGGGGGGAGTCAGCCCA-3'

ClinVar aggregate classification (germline): Uncertain significance (1 of 4 stars; one submission).

Conditions:
Gorlin syndrome. Also called: Nevoid Basal Cell Carcinoma Syndrome; Basal cell nevus syndrome. Identifiers: Orphanet 377, MedGen C0004779, MONDO:0007187.

Submission:

Labcorp Genetics (formerly Invitae), Labcorp
Classification: Uncertain significance for Gorlin syndrome. Last evaluated: 2019-05-28. Review status: criteria provided, single submitter. Criteria: Invitae Variant Classification Sherloc (09022015). Collection method: clinical testing. Allele origin: germline.
Comment: This sequence change results in a premature translational stop signal in the PTCH2 gene (p.Thr1096Asnfs*47). While this is not anticipated to result in nonsense mediated decay, it is expected to disrupt the last 108 amino acids of the PTCH2 protein. This variant is not present in population databases (ExAC no frequency). This variant has not been reported in the literature in individuals with PTCH2-related conditions. In summary, the available evidence is currently insufficient to determine the role of this variant in disease. Therefore, it has been classified as a Variant of Uncertain Significance.